The following is an entry in ClinVar:

ClinVar aggregate classification (germline): Uncertain significance (1 of 4 stars; one submission).

Submission:

GeneDx
Classification: Uncertain significance. Last evaluated: 2025-05-22. Review status: criteria provided, single submitter. Criteria: GeneDx Variant Classification Process June 2021. Collection method: clinical testing. Allele origin: germline. Affected: yes.
Comment: Not observed at significant frequency in large population cohorts (gnomAD); In silico analysis supports that this missense variant has a deleterious effect on protein structure/function; Has not been previously published as pathogenic or benign to our knowledge

NM_206933.4(USH2A):c.6920A>C (p.Gln2307Pro)

Gene: USH2A (usherin; minus strand). Cytogenetic location: 1q41.
Variant type: single nucleotide variant.
Coding change: c.6920A>C on transcript NM_206933.4 (MANE Select); coding-DNA position 6920, A replaced by C.
Protein change: p.Gln2307Pro; replaces glutamine 2307 with proline.
Molecular consequence: missense variant.
Genome position (GRCh38, 1-based): chr1:215,970,662, T>G on the plus strand (A>C on the coding strand, the complement: USH2A is on the minus strand). VCF-style: chr1-215970662-T-G. GRCh37 (hg19) VCF-style: chr1-216144004-T-G.
Other names: short protein forms Q2307P.
Identifiers: ClinVar variation 4530706 (VCV004530706.1).
Genomic context (GRCh38, chr1:215,970,662, plus strand): 5'-AGAATGTAAATTTAGATACTCACCAGTGGGCCCAGAGCACAACCTTTGGCCGTGCATGCT[T>G]GGACTCTGAAGGAATGTAAACTCCAAGGAGCAAATCCGTAAGCACGATAGCTGAGTTCTG-3'
Protein context (NP_996816.3, residues 2297-2317): APWSLHSFRV[Gln2307Pro]ACTAKGCALG